The following is an entry in ClinVar:

NM_001039803.3(CDK20):c.842A>G (p.Lys281Arg)

Gene: CDK20 (cyclin dependent kinase 20; minus strand). Cytogenetic location: 9q22.1.
Variant type: single nucleotide variant.
Coding change: c.842A>G on transcript NM_001039803.3 (MANE Select); coding-DNA position 842, A replaced by G.
Protein change: p.Lys281Arg; replaces lysine 281 with arginine.
Molecular consequence: missense variant.
Genome position (GRCh38, 1-based): chr9:87,969,195, T>C on the plus strand (A>G on the coding strand, the complement: CDK20 is on the minus strand). VCF-style: chr9-87969195-T-C. GRCh37 (hg19) VCF-style: chr9-90584110-T-C.
Other names: NC_000009.11:g.90584110T>C; c.779A>G, p.Lys260Arg (NM_001170639.2, NM_012119.5); c.655A>G, p.Arg219Gly (NM_001170640.2); c.818A>G, p.Lys273Arg (NM_178432.4); short protein forms K260R, K273R, K281R, R219G.
Identifiers: ClinVar variation 3045521 (VCV003045521.3), dbSNP rs28364963, ClinGen allele CA5113985.
Genomic context (GRCh38, chr9:87,969,195, plus strand): 5'-AGTACCAGGGTGATGGGGAGGGGAGCTGAAGGAGCAGAGACTACAGCCTCTCCCCCTACC[T>C]TGGAAGCTGCGATGCGCTGGTGAGGAGGGTAGAGAAGGAATTGACCCAGCAGATCCAATG-3'
Protein context (NP_001034892.1, residues 271-291): YPPHQRIAAS[Lys281Arg]ALLHQYFFTA

ClinVar aggregate classification (germline): Benign (0 of 4 stars; one submission).

Conditions:
CDK20-related disorder. Also called: CDK20-related condition.

Allele frequency attached by ClinVar (database versions not stated): gnomAD exomes 0.00032; ExAC 0.00113; gnomAD 0.00363; 1000 Genomes Project 30x 0.00375; 1000 Genomes Project 0.00379; TOPMed 0.00388; ESP Exome Variant Server 0.00446.
gnomAD v4.1: 1,033 of 1,613,718 alleles (0.064%); highest among the groups gnomAD compares: African/African-American, 1.2%; 7 homozygotes.

Submissions (7):

PreventionGenetics, part of Exact Sciences
Classification: Benign for CDK20-related condition. Last evaluated: 2019-11-16. Review status: no assertion criteria provided. Collection method: clinical testing. Allele origin: germline.
Comment: This variant is classified as benign based on ACMG/AMP sequence variant interpretation guidelines (Richards et al. 2015 PMID: 25741868, with internal and published modifications).

Dr. Peter K. Rogan Lab, Western University
No classification provided (evidence only). Condition: Clear cell carcinoma of kidney. Review status: no classification provided. Collection method: in vitro. Allele origin: not applicable. Functional consequence: skipped exon, retained intron. Not counted in ClinVar's aggregate classification.

Dr. Peter K. Rogan Lab, Western University
No classification provided (evidence only). Condition: Lung cancer. Review status: no classification provided. Collection method: in vitro. Allele origin: not applicable. Functional consequence: skipped exon, retained intron. Not counted in ClinVar's aggregate classification.

Dr. Peter K. Rogan Lab, Western University
No classification provided (evidence only). Condition: Lung cancer. Review status: no classification provided. Collection method: in vitro. Allele origin: not applicable. Functional consequence: retained intron. Not counted in ClinVar's aggregate classification.

Dr. Peter K. Rogan Lab, Western University
No classification provided (evidence only). Condition: Uterine corpus endometrial carcinoma. Review status: no classification provided. Collection method: in vitro. Allele origin: not applicable. Functional consequence: retained intron. Not counted in ClinVar's aggregate classification.

Dr. Peter K. Rogan Lab, Western University
No classification provided (evidence only). Condition: Uterine corpus endometrial carcinoma. Review status: no classification provided. Collection method: in vitro. Allele origin: not applicable. Functional consequence: retained intron. Not counted in ClinVar's aggregate classification.

Dr. Peter K. Rogan Lab, Western University
No classification provided (evidence only). Condition: Uterine corpus endometrial carcinoma. Review status: no classification provided. Collection method: in vitro. Allele origin: not applicable. Functional consequence: skipped exon, retained intron. Not counted in ClinVar's aggregate classification.